The following is an entry in ClinVar:

NM_006785.4(MALT1):c.1894G>A (p.Val632Ile)

Gene: MALT1 (MALT1 paracaspase; plus strand). Cytogenetic location: 18q21.32.
Variant type: single nucleotide variant.
Coding change: c.1894G>A on transcript NM_006785.4 (MANE Select); coding-DNA position 1894, G replaced by A.
Protein change: p.Val632Ile; replaces valine 632 with isoleucine.
Molecular consequence: missense variant.
Genome position (GRCh38, 1-based): chr18:58,744,478, G>A. VCF-style: chr18-58744478-G-A. GRCh37 (hg19) VCF-style: chr18-56411710-G-A.
Other names: c.1861G>A, p.Val621Ile (NM_173844.3); short protein forms V621I, V632I.
Identifiers: ClinVar variation 852317 (VCV000852317.5), dbSNP rs564979419, ClinGen allele CA8978004.

ClinVar aggregate classification (germline): Uncertain significance (1 of 4 stars; one submission).

Conditions:
Combined immunodeficiency due to MALT1 deficiency. Also called: Immunodeficiency 12. Identifiers: Orphanet 397964, MedGen C3809583, MONDO:0014197, OMIM 615468.

Allele frequency attached by ClinVar (database versions not stated): gnomAD exomes 0.00002; ExAC 0.00003; TOPMed below 0.00001; gnomAD 0.00003.
gnomAD v4.1: 20 of 1,599,828 alleles (0.0013%); highest among the groups gnomAD compares: Admixed American, 0.012%; no homozygotes.

Submission:

Labcorp Genetics (formerly Invitae), Labcorp
Classification: Uncertain significance for Combined immunodeficiency due to MALT1 deficiency. Last evaluated: 2023-08-04. Review status: criteria provided, single submitter. Criteria: Invitae Variant Classification Sherloc (09022015). Collection method: clinical testing. Allele origin: germline.
Comment: In summary, the available evidence is currently insufficient to determine the role of this variant in disease. Therefore, it has been classified as a Variant of Uncertain Significance. This sequence change replaces valine, which is neutral and non-polar, with isoleucine, which is neutral and non-polar, at codon 632 of the MALT1 protein (p.Val632Ile). This variant is present in population databases (rs564979419, gnomAD 0.01%). This variant has not been reported in the literature in individuals affected with MALT1-related conditions. ClinVar contains an entry for this variant (Variation ID: 852317). Advanced modeling of protein sequence and biophysical properties (such as structural, functional, and spatial information, amino acid conservation, physicochemical variation, residue mobility, and thermodynamic stability) performed at Invitae indicates that this missense variant is not expected to disrupt MALT1 protein function.